The following is an entry in ClinVar:

ClinVar aggregate classification (germline): Pathogenic/Likely pathogenic. Review status: criteria provided, multiple submitters, no conflicts (2 of 4 stars). 4 submissions from 4 submitters: Pathogenic (3); Likely pathogenic (1). Last evaluated 2024-01-10.

Conditions:
Ataxia-telangiectasia syndrome (AT). Also called: Ataxia-telangiectasia, complementation group D; AT, COMPLEMENTATION GROUP C; Ataxia-telangiectasia; Ataxia telangiectasia (A-T); Ataxia-telangiectasia, complementation group E; Cerebello-oculocutaneous telangiectasia. Identifiers: Orphanet 100, MedGen C0004135, MONDO:0008840, OMIM 208900.
Familial cancer of breast. Also called: Hereditary breast cancer; hereditary breast carcinoma; BREAST CANCER, FAMILIAL. Identifiers: Orphanet 227535, MedGen C0346153, MONDO:0016419, OMIM 114480. Disease mechanism: loss of function.
Hereditary cancer-predisposing syndrome. Also called: Neoplastic Syndromes, Hereditary; Hereditary neoplastic syndrome; Hereditary Cancer Syndrome; Tumor predisposition. Identifiers: Orphanet 140162, MedGen C0027672, MeSH D009386, MONDO:0015356.

Submissions (4):

Myriad Genetics, Inc.
Classification: Pathogenic for Familial cancer of breast. Last evaluated: 2024-01-10. Review status: criteria provided, single submitter. Criteria: Myriad Autosomal Dominant, Autosomal Recessive and X-Linked Classification Criteria (2023). Collection method: clinical testing. Allele origin: unknown.
Comment: This variant is considered pathogenic. This variant creates a frameshift predicted to result in premature protein truncation.

Ambry Genetics
Classification: Pathogenic for Hereditary cancer-predisposing syndrome. Last evaluated: 2023-12-15. Review status: criteria provided, single submitter. Criteria: Ambry Variant Classification Scheme 2023. Collection method: clinical testing. Allele origin: germline.
Comment: The c.706dupC pathogenic mutation, located in coding exon 6 of the ATM gene, results from a duplication of C at nucleotide position 706, causing a translational frameshift with a predicted alternate stop codon (p.L236Pfs*18). This variant is considered to be rare based on population cohorts in the Genome Aggregation Database (gnomAD). This alteration is expected to result in loss of function by premature protein truncation or nonsense-mediated mRNA decay. As such, this alteration is interpreted as a disease-causing mutation.

Labcorp Genetics (formerly Invitae), Labcorp
Classification: Pathogenic for Ataxia-telangiectasia syndrome. Last evaluated: 2023-08-28. Review status: criteria provided, single submitter. Criteria: Invitae Variant Classification Sherloc (09022015). Collection method: clinical testing. Allele origin: germline.
Comment: For these reasons, this variant has been classified as Pathogenic. ClinVar contains an entry for this variant (Variation ID: 1408971). This variant has not been reported in the literature in individuals affected with ATM-related conditions. This variant is not present in population databases (gnomAD no frequency). This sequence change creates a premature translational stop signal (p.Leu236Profs*18) in the ATM gene. It is expected to result in an absent or disrupted protein product. Loss-of-function variants in ATM are known to be pathogenic (PMID: 23807571, 25614872).

Institute of Human Genetics, University of Goettingen
Classification: Likely pathogenic for Ataxia-telangiectasia syndrome. Last evaluated: 2022-04-12. Review status: criteria provided, single submitter. Criteria: ACMG Guidelines, 2015. Collection method: clinical testing. Allele origin: germline. Inheritance: Autosomal dominant inheritance. Affected: yes. Observed: 1 heterozygote.
Comment: The identified ATM variant is classified as likely pathogenic. It is absent from gnomAD, ClinVar, and HGMD [PM2], and is predicted to result in a truncated protein [PVS1_very strong], a mutation type known to be associated with disease in this gene. The molecular finding is consistent with the patient’s clinical presentation. ACMG criteria applied: PVS1, PM2.

Literature cited by the submitters: PubMed 23807571 (cited by Labcorp Genetics (formerly Invitae), Labcorp); PubMed 25614872 (cited by Labcorp Genetics (formerly Invitae), Labcorp).

NM_000051.4(ATM):c.706dup (p.Leu236fs)

Gene: ATM (ATM serine/threonine kinase; plus strand). Cytogenetic location: 11q22.3.
Variant type: Duplication.
Coding change: c.706dup on transcript NM_000051.4 (MANE Select); coding-DNA position 706, one base duplicated (C; older notation c.706dupC).
Protein change: p.Leu236fs; shifts the reading frame from leucine 236.
Molecular consequence: frameshift variant.
Genome position (GRCh38, 1-based): chr11:108,244,831, C duplicated. VCF-style (leftmost placement, unchanged base first): chr11-108244830-T-TC. GRCh37 (hg19) VCF-style: chr11-108115557-T-TC.
Other names: c.706dupC (NM_000051.4); c.706dup, p.Leu236fs (NM_001351834.2); short protein forms L236fs.
Identifiers: ClinVar variation 1408971 (VCV001408971.7), dbSNP rs2135238203, ClinGen allele CA2573146459.